The following is an entry in ClinVar:

NM_000302.4(PLOD1):c.1658C>T (p.Pro553Leu)

Gene: PLOD1 (procollagen-lysine,2-oxoglutarate 5-dioxygenase 1; plus strand). Cytogenetic location: 1p36.22.
Variant type: single nucleotide variant.
Coding change: c.1658C>T on transcript NM_000302.4 (MANE Select); coding-DNA position 1658, C replaced by T.
Protein change: p.Pro553Leu; replaces proline 553 with leucine.
Molecular consequence: missense variant.
Genome position (GRCh38, 1-based): chr1:11,966,994, C>T. VCF-style: chr1-11966994-C-T. GRCh37 (hg19) VCF-style: chr1-12027051-C-T.
Other names: p.Pro553Leu; c.1799C>T, p.Pro600Leu (NM_001316320.2); short protein forms P553L, P600L.
Identifiers: ClinVar variation 529353 (VCV000529353.15), dbSNP rs754569828, ClinGen allele CA598512.

ClinVar aggregate classification (germline): Uncertain significance. Review status: criteria provided, multiple submitters, no conflicts (2 of 4 stars). 5 submissions from 5 submitters: Uncertain significance (5). Last evaluated 2024-10-19.

Conditions:
Familial thoracic aortic aneurysm and aortic dissection (TAAD). Also called: Thoracic aortic aneurysms and dissections. Identifiers: Orphanet 91387, MedGen C4707243, MONDO:0019625.
Ehlers-Danlos syndrome, kyphoscoliotic type 1 (EDSKSCL1). Also called: EHLERS-DANLOS SYNDROME, TYPE VIA; PLOD1-Related Kyphoscoliotic Ehlers-Danlos Syndrome; Ehlers-Danlos syndrome, hydroxylysine-deficient; EHLERS-DANLOS SYNDROME, OCULAR-SCOLIOTIC TYPE. Identifiers: Orphanet 1900, MedGen C0268342, MONDO:0016002, OMIM 225400. Disease mechanism: loss of function.

Allele frequency attached by ClinVar (database versions not stated): gnomAD 0.00001 and 0.00002; gnomAD exomes 0.00003 and 0.00005; ExAC 0.00005; TOPMed 0.00005.
gnomAD v4.1: 39 of 1,610,370 alleles (0.0024%); highest among the groups gnomAD compares: East Asian, 0.022%; no homozygotes.

Submissions (5):

Ambry Genetics
Classification: Uncertain significance for Familial thoracic aortic aneurysm and aortic dissection. Last evaluated: 2024-10-19. Review status: criteria provided, single submitter. Criteria: Ambry Variant Classification Scheme 2023. Collection method: clinical testing. Allele origin: germline.
Comment: The p.P553L variant (also known as c.1658C>T), located in coding exon 16 of the PLOD1 gene, results from a C to T substitution at nucleotide position 1658. The proline at codon 553 is replaced by leucine, an amino acid with similar properties. This amino acid position is highly conserved in available vertebrate species. In addition, this alteration is predicted to be deleterious by in silico analysis. Since supporting evidence is limited at this time, the clinical significance of this alteration remains unclear.

Women's Health and Genetics/Laboratory Corporation of America, LabCorp
Classification: Uncertain significance. Last evaluated: 2024-07-28. Review status: criteria provided, single submitter. Criteria: LabCorp Variant Classification Summary - May 2015. Collection method: clinical testing. Allele origin: germline.

Labcorp Genetics (formerly Invitae), Labcorp
Classification: Uncertain significance for Ehlers-Danlos syndrome, kyphoscoliotic type 1. Last evaluated: 2022-05-18. Review status: criteria provided, single submitter. Criteria: Invitae Variant Classification Sherloc (09022015). Collection method: clinical testing. Allele origin: germline.
Comment: This sequence change replaces proline, which is neutral and non-polar, with leucine, which is neutral and non-polar, at codon 553 of the PLOD1 protein (p.Pro553Leu). This variant is present in population databases (rs754569828, gnomAD 0.04%). This variant has not been reported in the literature in individuals affected with PLOD1-related conditions. ClinVar contains an entry for this variant (Variation ID: 529353). Algorithms developed to predict the effect of missense changes on protein structure and function (SIFT, PolyPhen-2, Align-GVGD) all suggest that this variant is likely to be disruptive. In summary, the available evidence is currently insufficient to determine the role of this variant in disease. Therefore, it has been classified as a Variant of Uncertain Significance.

Mayo Clinic Laboratories, Mayo Clinic
Classification: Uncertain significance. Last evaluated: 2021-06-30. Review status: criteria provided, single submitter. Criteria: ACMG Guidelines, 2015. Collection method: clinical testing. Allele origin: germline.

Baylor Genetics
Classification: Uncertain significance for Ehlers-Danlos syndrome, kyphoscoliotic type 1. Last evaluated: 2018-07-06. Review status: criteria provided, single submitter. Criteria: ACMG Guidelines, 2015. Collection method: clinical testing. Allele origin: unknown. Affected: yes.
Comment: This variant was determined to be of uncertain significance according to ACMG Guidelines, 2015 [PMID:25741868].